The following is an entry in ClinVar:

ClinVar aggregate classification (germline): Likely benign. Review status: criteria provided, multiple submitters, no conflicts (2 of 4 stars). 4 submissions from 4 submitters: Likely benign (4). Last evaluated 2026-01-16.

Conditions:
Donnai-Barrow syndrome. Also called: FACIOOCULOACOUSTICORENAL SYNDROME; DBS/FOAR SYNDROME. Identifiers: Orphanet 2143, MedGen C1857277, MONDO:0009104, OMIM 222448.

Allele frequency attached by ClinVar (database versions not stated): gnomAD 0.00001; gnomAD exomes 0.00001; TOPMed 0.00002.
gnomAD v4.1: 12 of 1,613,994 alleles (0.00074%); highest among the groups gnomAD compares: African/African-American, 0.013%; no homozygotes.

Submissions (4):

Labcorp Genetics (formerly Invitae), Labcorp
Classification: Likely benign. Last evaluated: 2026-01-16. Review status: criteria provided, single submitter. Criteria: Invitae Variant Classification Sherloc (09022015). Collection method: clinical testing. Allele origin: germline.

Blueprint Genetics
Classification: Likely benign. Last evaluated: 2024-10-02. Review status: criteria provided, single submitter. Criteria: ACMG Guidelines, 2015. Collection method: clinical testing. Allele origin: germline.

CeGaT Center for Human Genetics Tuebingen
Classification: Likely benign. Last evaluated: 2024-07-01. Review status: criteria provided, single submitter. Criteria: CeGaT Center For Human Genetics Tuebingen Variant Classification Criteria Version 2. Collection method: clinical testing. Allele origin: germline. Affected: yes. Observed: 2 variant alleles.
Comment: LRP2: BP4, BP7

Fulgent Genetics
Classification: Likely benign for Donnai-Barrow syndrome. Last evaluated: 2022-03-04. Review status: criteria provided, single submitter. Criteria: ACMG Guidelines, 2015. Collection method: clinical testing. Allele origin: unknown.

NM_004525.3(LRP2):c.9891T>C (p.Ser3297=)

Gene: LRP2 (LDL receptor related protein 2; minus strand). Cytogenetic location: 2q31.1.
Variant type: single nucleotide variant.
Coding change: c.9891T>C on transcript NM_004525.3 (MANE Select); coding-DNA position 9891, T replaced by C.
Protein change: p.Ser3297=; no amino-acid change (serine 3297 retained).
Molecular consequence: synonymous variant.
Genome position (GRCh38, 1-based): chr2:169,182,274, A>G on the plus strand (T>C on the coding strand, the complement: LRP2 is on the minus strand). VCF-style: chr2-169182274-A-G. GRCh37 (hg19) VCF-style: chr2-170038784-A-G.
Identifiers: ClinVar variation 747899 (VCV000747899.28), dbSNP rs1486598660, ClinGen allele CA429932577.